The following is an entry in ClinVar:

ClinVar aggregate classification (germline): Uncertain significance. Review status: criteria provided, multiple submitters, no conflicts (2 of 4 stars). 2 submissions from 2 submitters: Uncertain significance (2). Last evaluated 2024-11-18.

Submissions (2):

Labcorp Genetics (formerly Invitae), Labcorp
Classification: Uncertain significance. Last evaluated: 2024-11-18. Review status: criteria provided, single submitter. Criteria: Invitae Variant Classification Sherloc (09022015). Collection method: clinical testing. Allele origin: germline.
Comment: This sequence change replaces glycine, which is neutral and non-polar, with serine, which is neutral and polar, at codon 938 of the PCARE protein (p.Gly938Ser). This variant is present in population databases (no rsID available, gnomAD 0.01%). This variant has not been reported in the literature in individuals affected with PCARE-related conditions. ClinVar contains an entry for this variant (Variation ID: 1939577). An algorithm developed to predict the effect of missense changes on protein structure and function outputs the following: PolyPhen-2: "Benign". The serine amino acid residue is found in multiple mammalian species, which suggests that this missense change does not adversely affect protein function. In summary, the available evidence is currently insufficient to determine the role of this variant in disease. Therefore, it has been classified as a Variant of Uncertain Significance.

Blueprint Genetics
Classification: Uncertain significance. Last evaluated: 2021-09-17. Review status: criteria provided, single submitter. Criteria: ACMG Guidelines, 2015. Collection method: clinical testing. Allele origin: germline.

NM_001029883.3(PCARE):c.2812G>A (p.Gly938Ser)

Gene: PCARE (photoreceptor cilium actin regulator; minus strand). Cytogenetic location: 2p23.2.
Variant type: single nucleotide variant.
Coding change: c.2812G>A on transcript NM_001029883.3 (MANE Select); coding-DNA position 2812, G replaced by A.
Protein change: p.Gly938Ser; replaces glycine 938 with serine.
Molecular consequence: missense variant.
Genome position (GRCh38, 1-based): chr2:29,071,450, C>T on the plus strand (G>A on the coding strand, the complement: PCARE is on the minus strand). VCF-style: chr2-29071450-C-T. GRCh37 (hg19) VCF-style: chr2-29294316-C-T.
Other names: short protein forms G938S.
Identifiers: ClinVar variation 1939577 (VCV001939577.6), dbSNP rs1040502779, ClinGen allele CA44640581.
Genomic context (GRCh38, chr2:29,071,450, plus strand): 5'-TGGCCTTCCGGGGCTGCCTGTAGAGGCTGGTGGCCTTCTCTGCCTGACTCCAAGTCCCAC[C>T]CTTCACCTCGGGGCTTTGGCTGGTGGCTGGTGGGCTGCTCAGGTCCAGGGCTGGCTTCCT-3'
Protein context (NP_001025054.1, residues 928-948): PATSQSPEVK[Gly938Ser]GTWSQAEKAT